The following is an entry in ClinVar:

ClinVar aggregate classification (germline): Uncertain significance (1 of 4 stars; one submission).

Allele frequency attached by ClinVar (database versions not stated): ExAC 0.00001.

Submission:

Labcorp Genetics (formerly Invitae), Labcorp
Classification: Uncertain significance. Last evaluated: 2022-06-10. Review status: criteria provided, single submitter. Criteria: Invitae Variant Classification Sherloc (09022015). Collection method: clinical testing. Allele origin: germline.
Comment: In summary, the available evidence is currently insufficient to determine the role of this variant in disease. Therefore, it has been classified as a Variant of Uncertain Significance. Algorithms developed to predict the effect of sequence changes on RNA splicing suggest that this variant may create or strengthen a splice site. This variant has not been reported in the literature in individuals affected with ERBB2-related conditions. This variant is present in population databases (rs769432866, gnomAD 0.0009%). This sequence change affects codon 905 of the ERBB2 mRNA. It is a 'silent' change, meaning that it does not change the encoded amino acid sequence of the ERBB2 protein.

NM_004448.4(ERBB2):c.2715G>A (p.Val905=)

Gene: ERBB2 (erb-b2 receptor tyrosine kinase 2; plus strand). Cytogenetic location: 17q12.
Variant type: single nucleotide variant.
Coding change: c.2715G>A on transcript NM_004448.4 (MANE Select); coding-DNA position 2715, G replaced by A.
Protein change: p.Val905=; no amino-acid change (valine 905 retained).
Molecular consequence: synonymous variant. On other transcripts: non-coding transcript variant (1), intron variant (1).
Genome position (GRCh38, 1-based): chr17:39,725,392, G>A. VCF-style: chr17-39725392-G-A. GRCh37 (hg19) VCF-style: chr17-37881645-G-A.
Other names: c.2625G>A, p.Val875= (NM_001005862.3, NM_001382782.1, NM_001382783.1); c.2670G>A, p.Val890= (NM_001289936.2); c.2715G>A, p.Val905= (NM_001289937.2, NM_001382796.1); c.2832G>A, p.Val944= (NM_001382784.1); c.2817G>A, p.Val939= (NM_001382785.1); c.2796G>A, p.Val932= (NM_001382786.1); c.2790G>A, p.Val930= (NM_001382787.1); c.2745G>A, p.Val915= (NM_001382788.1); and 15 more.
Identifiers: ClinVar variation 2171167 (VCV002171167.4), dbSNP rs769432866, ClinGen allele CA8534365.